The following is an entry in ClinVar:

NM_006180.6(NTRK2):c.1937+8G>T

Gene: NTRK2 (neurotrophic receptor tyrosine kinase 2; plus strand). Cytogenetic location: 9q21.33.
Variant type: single nucleotide variant.
Coding change: c.1937+8G>T on transcript NM_006180.6 (MANE Select); 8 bases into the intron after coding-DNA position 1937, G replaced by T.
Molecular consequence: intron variant.
Genome position (GRCh38, 1-based): chr9:84,948,642, G>T. VCF-style: chr9-84948642-G-T. GRCh37 (hg19) VCF-style: chr9-87563557-G-T.
Other names: c.1889+8G>T (NM_001369532.1, NM_001369533.1, NM_001018064.3); c.1853+8G>T (NM_001369534.1); c.1469+8G>T (NM_001369536.1); c.1421+8G>T (NM_001369535.1); c.1937+8G>T (NM_006180.4).
Identifiers: ClinVar variation 2060311 (VCV002060311.6), dbSNP rs200595566, ClinGen allele CA5105869.

ClinVar aggregate classification (germline): Likely benign. Review status: criteria provided, single submitter (1 of 4 stars). 2 submissions from 2 submitters: Likely benign (1). 1 of the submissions does not count toward it. Last evaluated 2025-07-02.

Conditions:
NTRK2-related disorder. Also called: NTRK2-related condition.

Allele frequency attached by ClinVar (database versions not stated): gnomAD 0.00006; ESP Exome Variant Server 0.00008; TOPMed 0.00008.
gnomAD v4.1: 71 of 1,613,834 alleles (0.0044%); highest among the groups gnomAD compares: Non-Finnish European, 0.0056%; no homozygotes.

Submissions (2):

Labcorp Genetics (formerly Invitae), Labcorp
Classification: Likely benign. Last evaluated: 2025-07-02. Review status: criteria provided, single submitter. Criteria: Invitae Variant Classification Sherloc (09022015). Collection method: clinical testing. Allele origin: germline.

PreventionGenetics, part of Exact Sciences
Classification: Likely benign for NTRK2-related condition. Last evaluated: 2019-12-26. Review status: no assertion criteria provided. Collection method: clinical testing. Allele origin: germline. Not counted in ClinVar's aggregate classification.
Comment: This variant is classified as likely benign based on ACMG/AMP sequence variant interpretation guidelines (Richards et al. 2015 PMID: 25741868, with internal and published modifications).